The following is an entry in ClinVar:

ClinVar aggregate classification (germline): Benign. Review status: criteria provided, multiple submitters, no conflicts (2 of 4 stars). 2 submissions from 2 submitters: Benign (2). Last evaluated 2012-08-02.

Allele frequency attached by ClinVar (database versions not stated): 1000 Genomes Project 0.00599; gnomAD 0.01226 and 0.01186; TOPMed 0.01299; 1000 Genomes Project 30x 0.00671; gnomAD exomes 0.01407.
gnomAD v4.1: 10,480 of 767,794 alleles (1.4%); highest among the groups gnomAD compares: Non-Finnish European, 2%; 120 homozygotes.

Submissions (2):

GeneDx
Classification: Benign. Last evaluated: 2012-08-02. Review status: criteria provided, single submitter. Criteria: GeneDx Variant Classification (06012015). Collection method: clinical testing. Allele origin: germline. Affected: yes.
Comment: This variant is considered likely benign or benign based on one or more of the following criteria: it is a conservative change, it occurs at a poorly conserved position in the protein, it is predicted to be benign by multiple in silico algorithms, and/or has population frequency not consistent with disease.

Breakthrough Genomics
Classification: Benign. Review status: criteria provided, single submitter. Criteria: ACMG Guidelines, 2015. Collection method: not provided. Allele origin: germline. Inheritance: Autosomal dominant inheritance. Affected: yes.

NM_007078.3(LDB3):c.-36A>G

Gene: LDB3 (LIM domain binding 3; plus strand). Cytogenetic location: 10q23.2.
Variant type: single nucleotide variant.
Coding change: c.-36A>G on transcript NM_007078.3 (MANE Select); 36 bases upstream of the start codon, A replaced by G.
Molecular consequence: 5 prime UTR variant. On other transcripts: intron variant (3).
Genome position (GRCh38, 1-based): chr10:86,668,558, A>G. VCF-style: chr10-86668558-A-G. GRCh37 (hg19) VCF-style: chr10-88428315-A-G.
Other names: c.-36A>G (NM_001080114.2, NM_001080115.2, NM_001171610.2 and 4 more transcripts); c.-23-111A>G (NM_001368064.1, NM_001368063.1, NM_001368068.1).
Identifiers: ClinVar variation 138105 (VCV000138105.2), dbSNP rs2803557, ClinGen allele CA291908.